The following is an entry in ClinVar:

NM_023936.2(MRPS34):c.23C>G (p.Pro8Arg)

Genes: MRPS34 (mitochondrial ribosomal protein S34; minus strand), EME2 (essential meiotic structure-specific endonuclease subunit 2; plus strand), LOC130058184 (ATAC-STARR-seq lymphoblastoid active region 10237; plus strand). Cytogenetic location: 16p13.3.
Variant type: single nucleotide variant.
Coding change: c.23C>G on transcript NM_023936.2 (MANE Select); coding-DNA position 23, C replaced by G.
Protein change: p.Pro8Arg; replaces proline 8 with arginine.
Molecular consequence: missense variant.
Genome position (GRCh38, 1-based): chr16:1,773,097, G>C on the plus strand (C>G on the coding strand, the complement: MRPS34 is on the minus strand). VCF-style: chr16-1773097-G-C. GRCh37 (hg19) VCF-style: chr16-1823098-G-C.
Other names: c.23C>G, p.Pro8Arg (NM_001300900.2); short protein forms P8R.
Identifiers: ClinVar variation 1003442 (VCV001003442.7), dbSNP rs1415385812, ClinGen allele CA394244610.

ClinVar aggregate classification (germline): Uncertain significance (1 of 4 stars; one submission).

gnomAD v4.1: 9 of 1,403,516 alleles (0.00064%); highest among the groups gnomAD compares: South Asian, 0.0032%; no homozygotes.

Submission:

Labcorp Genetics (formerly Invitae), Labcorp
Classification: Uncertain significance. Last evaluated: 2022-11-04. Review status: criteria provided, single submitter. Criteria: Invitae Variant Classification Sherloc (09022015). Collection method: clinical testing. Allele origin: germline.
Comment: In summary, the available evidence is currently insufficient to determine the role of this variant in disease. Therefore, it has been classified as a Variant of Uncertain Significance. Algorithms developed to predict the effect of missense changes on protein structure and function are either unavailable or do not agree on the potential impact of this missense change (SIFT: "Tolerated"; PolyPhen-2: "Probably Damaging"; Align-GVGD: "Class C0"). ClinVar contains an entry for this variant (Variation ID: 1003442). This missense change has been observed in individual(s) with clinical features of combined oxidative phosphorylation deficiency (Invitae). In at least one individual the data is consistent with being in trans (on the opposite chromosome) from a pathogenic variant. This variant is present in population databases (no rsID available, gnomAD 0.04%). This sequence change replaces proline, which is neutral and non-polar, with arginine, which is basic and polar, at codon 8 of the MRPS34 protein (p.Pro8Arg).